The following is an entry in ClinVar:

NM_001379110.1(SLC9A6):c.-57+15C>T

Genes: SLC9A6 (solute carrier family 9 member A6; plus strand), LOC130068746 (ATAC-STARR-seq lymphoblastoid silent region 21025; plus strand). Cytogenetic location: Xq26.3.
Variant type: single nucleotide variant.
Coding change: c.-57+15C>T on transcript NM_001379110.1 (MANE Select); 15 bases into the intron after 57 bases upstream of the start codon, C replaced by T.
Molecular consequence: intron variant. On other transcripts: 5 prime UTR variant (2).
Genome position (GRCh38, 1-based): chrX:135,985,492, C>T. VCF-style: chrX-135985492-C-T. GRCh37 (hg19) VCF-style: chrX-135067651-C-T.
Other names: c.-11C>T (NM_001042537.2, NM_006359.3); c.-57+15C>T (NM_001177651.2); c.-57+20C>T (NM_001330652.2).
Identifiers: ClinVar variation 516672 (VCV000516672.1), dbSNP rs781889579, ClinGen allele CA10524579.

ClinVar aggregate classification (germline): Likely benign (1 of 4 stars; one submission).

Allele frequency attached by ClinVar (database versions not stated): gnomAD exomes 0.00008; gnomAD 0.00018 and 0.00020; TOPMed 0.00020; 1000 Genomes Project 30x 0.00021; ExAC 0.00109.
gnomAD v4.1: 42 of 1,074,473 alleles (0.0039%); highest among the groups gnomAD compares: African/African-American, 0.062%; no homozygotes.

Submission:

GeneDx
Classification: Likely benign. Last evaluated: 2017-06-30. Review status: criteria provided, single submitter. Criteria: GeneDx Variant Classification (06012015). Collection method: clinical testing. Allele origin: germline. Affected: yes.
Comment: This variant is considered likely benign or benign based on one or more of the following criteria: it is a conservative change, it occurs at a poorly conserved position in the protein, it is predicted to be benign by multiple in silico algorithms, and/or has population frequency not consistent with disease.